The following is an entry in ClinVar:

ClinVar aggregate classification (germline): Uncertain significance (1 of 4 stars; one submission).

Submission:

Labcorp Genetics (formerly Invitae), Labcorp
Classification: Uncertain significance. Last evaluated: 2024-10-15. Review status: criteria provided, single submitter. Criteria: Invitae Variant Classification Sherloc (09022015). Collection method: clinical testing. Allele origin: germline.
Comment: This variant, c.2251_2253del, results in the deletion of 1 amino acid(s) of the ADNP protein (p.Val751del), but otherwise preserves the integrity of the reading frame. This variant is present in population databases (rs748645628, gnomAD 0.007%). This variant has not been reported in the literature in individuals affected with ADNP-related conditions. Experimental studies and prediction algorithms are not available or were not evaluated, and the functional significance of this variant is currently unknown. In summary, the available evidence is currently insufficient to determine the role of this variant in disease. Therefore, it has been classified as a Variant of Uncertain Significance.

NM_001282531.3(ADNP):c.2248GTT[1] (p.Val751del)

Gene: ADNP (activity dependent neuroprotector homeobox; minus strand). Cytogenetic location: 20q13.13.
Variant type: Microsatellite.
Coding change: c.2248GTT[1] on transcript NM_001282531.3 (MANE Select); one copy of the 3-base unit GTT starting at c.2248; the reference has two copies in a row; one copy, 3 bases deleted.
Protein change: p.Val751del; deletes valine 751.
Molecular consequence: inframe deletion.
Genome position (GRCh38, 1-based): chr20:50,892,461-50,892,463, AAC deleted on the plus strand (GTT on the coding strand, the reverse complement: ADNP is on the minus strand); deleting any 3 consecutive bases within chr20:50,892,461-50,892,467 gives the same sequence; the position shown is the placement nearest the transcript's 3' end. VCF-style (leftmost placement, unchanged base first): chr20-50892460-AAAC-A. GRCh37 (hg19) VCF-style: chr20-49508997-AAAC-A.
Other names: c.2248GTT[1], p.Val751del (NM_001282532.2, NM_001347511.2, NM_015339.5 and 1 more transcripts); short protein forms V751del.
Identifiers: ClinVar variation 1976540 (VCV001976540.5), dbSNP rs748645628, ClinGen allele CA9908611.